The following is an entry in ClinVar:

ClinVar aggregate classification (germline): Uncertain significance (1 of 4 stars; one submission).

Conditions:
DYRK1B-related disorder. Also called: DYRK1B-related condition.

gnomAD v4.1: 92 of 1,611,622 alleles (0.0057%); highest among the groups gnomAD compares: Admixed American, 0.01%; no homozygotes.

Submission:

PreventionGenetics, part of Exact Sciences
Classification: Uncertain significance for DYRK1B-related condition. Last evaluated: 2026-04-09. Review status: criteria provided, single submitter. Criteria: ACMG Guidelines, 2015. Collection method: clinical testing. Allele origin: germline.
Comment: The DYRK1B c.1079C>T variant is predicted to result in the amino acid substitution p.Thr360Met. To our knowledge, this variant has not been reported individuals with obesity in the literature. Of note, a different substitution at the the same codon, defined as c.1079C>A (p.Thr360Lys), was reported in a genetic study of monogenic obesity associated with type 2 diabetes and in vitro functional studies suggested that this variant results in decreased Wnt signaling (reported as T360K in Folon et al. 2024. PubMed ID: 38170957). The c.1079C>T (p.Thr360Met) variant is reported in 0.0058% of alleles in individuals of Latino descent in gnomAD. At this time, the clinical significance of this variant is uncertain due to the absence of conclusive functional and genetic evidence.

NM_004714.3(DYRK1B):c.1079C>T (p.Thr360Met)

Gene: DYRK1B (dual specificity tyrosine phosphorylation regulated kinase 1B; minus strand). Cytogenetic location: 19q13.2.
Variant type: single nucleotide variant.
Coding change: c.1079C>T on transcript NM_004714.3 (MANE Select); coding-DNA position 1079, C replaced by T.
Protein change: p.Thr360Met; replaces threonine 360 with methionine.
Molecular consequence: missense variant.
Genome position (GRCh38, 1-based): chr19:39,827,301, G>A on the plus strand (C>T on the coding strand, the complement: DYRK1B is on the minus strand). VCF-style: chr19-39827301-G-A. GRCh37 (hg19) VCF-style: chr19-40317941-G-A.
Other names: c.1079C>T, p.Thr360Met (NM_006483.3, NM_006484.3); short protein forms T360M.
Identifiers: ClinVar variation 4980844 (VCV004980844.1).